The following is an entry in ClinVar:

NM_000540.3(RYR1):c.6664-3C>T

Gene: RYR1 (ryanodine receptor 1; plus strand). Cytogenetic location: 19q13.2.
Variant type: single nucleotide variant.
Coding change: c.6664-3C>T on transcript NM_000540.3 (MANE Select); 3 bases into the intron before coding-DNA position 6664, C replaced by T.
Molecular consequence: intron variant.
Genome position (GRCh38, 1-based): chr19:38,496,406, C>T. VCF-style: chr19-38496406-C-T. GRCh37 (hg19) VCF-style: chr19-38987046-C-T.
Other names: c.6664-3C>T (NM_001042723.2).
Identifiers: ClinVar variation 4711551 (VCV004711551.1).
Genomic context (GRCh38, chr19:38,496,406, plus strand): 5'-GTGCTGGGGAGCTCAGGGGAGGCAGCCACAGAGGGCAGGCCCTGACCACCCTGCCTGTCC[C>T]AGGAGATCCGCTTCCCCAAGATGGTGACAAGCTGCTGCCGCTTCCTCTGCTATTTCTGCC-3'

ClinVar aggregate classification (germline): Uncertain significance (1 of 4 stars; one submission).

Conditions:
RYR1-related disorder. Also called: RYR1-related condition; RYR1-related disorders. Identifiers: MedGen CN239331.

Submission:

Labcorp Genetics (formerly Invitae), Labcorp
Classification: Uncertain significance for RYR1-related disorder. Last evaluated: 2025-04-30. Review status: criteria provided, single submitter. Criteria: Invitae Variant Classification Sherloc (09022015). Collection method: clinical testing. Allele origin: germline.
Comment: This sequence change falls in intron 40 of the RYR1 gene. It does not directly change the encoded amino acid sequence of the RYR1 protein. It affects a nucleotide within the consensus splice site. This variant is not present in population databases (gnomAD no frequency). This variant has not been reported in the literature in individuals affected with RYR1-related conditions. Variants that disrupt the consensus splice site are a relatively common cause of aberrant splicing (PMID: 17576681, 9536098). Algorithms developed to predict the effect of sequence changes on RNA splicing suggest that this variant is not likely to affect RNA splicing. In summary, the available evidence is currently insufficient to determine the role of this variant in disease. Therefore, it has been classified as a Variant of Uncertain Significance.

Literature cited by the submitters: PubMed 17576681; PubMed 9536098.